The following is an entry in ClinVar:

NM_005422.4(TECTA):c.3940T>C (p.Cys1314Arg)

Genes: TBCEL-TECTA (TBCEL-TECTA readthrough; plus strand), TECTA (tectorin alpha; plus strand). Cytogenetic location: 11q23.3.
Variant type: single nucleotide variant.
Coding change: c.3940T>C on transcript NM_005422.4 (MANE Select); coding-DNA position 3940, T replaced by C.
Protein change: p.Cys1314Arg; replaces cysteine 1314 with arginine.
Molecular consequence: missense variant.
Genome position (GRCh38, 1-based): chr11:121,145,951, T>C. VCF-style: chr11-121145951-T-C. GRCh37 (hg19) VCF-style: chr11-121016660-T-C.
Other names: c.4897T>C, p.Cys1633Arg (NM_001378761.1); short protein forms C1314R, C1633R.
Identifiers: ClinVar variation 229300 (VCV000229300.9), dbSNP rs767018367, ClinGen allele CA6327315.

ClinVar aggregate classification (germline): Uncertain significance. Review status: criteria provided, multiple submitters, no conflicts (2 of 4 stars). 3 submissions from 3 submitters: Uncertain significance (3). Last evaluated 2023-12-14.

Allele frequency attached by ClinVar (database versions not stated): ExAC 0.00001; gnomAD exomes 0.00001.
gnomAD v4.1: 26 of 1,614,258 alleles (0.0016%); highest among the groups gnomAD compares: Non-Finnish European, 0.002%; no homozygotes.

Submissions (3):

Labcorp Genetics (formerly Invitae), Labcorp
Classification: Uncertain significance. Last evaluated: 2023-12-14. Review status: criteria provided, single submitter. Criteria: Invitae Variant Classification Sherloc (09022015). Collection method: clinical testing. Allele origin: germline.
Comment: This sequence change replaces cysteine, which is neutral and slightly polar, with arginine, which is basic and polar, at codon 1314 of the TECTA protein (p.Cys1314Arg). This variant is present in population databases (rs767018367, gnomAD 0.002%). This missense change has been observed in individual(s) with autosomal recessive nonsyndromic deafness (PMID: 26969326). ClinVar contains an entry for this variant (Variation ID: 229300). Advanced modeling of protein sequence and biophysical properties (such as structural, functional, and spatial information, amino acid conservation, physicochemical variation, residue mobility, and thermodynamic stability) performed at Invitae indicates that this missense variant is expected to disrupt TECTA protein function with a positive predictive value of 80%. In summary, the available evidence is currently insufficient to determine the role of this variant in disease. Therefore, it has been classified as a Variant of Uncertain Significance.

Blueprint Genetics
Classification: Uncertain significance. Last evaluated: 2023-07-04. Review status: criteria provided, single submitter. Criteria: ACMG Guidelines, 2015. Collection method: clinical testing. Allele origin: germline.

Laboratory for Molecular Medicine, Mass General Brigham Personalized Medicine
Classification: Uncertain significance. Last evaluated: 2015-05-03. Review status: criteria provided, single submitter. Criteria: LMM Criteria. Collection method: clinical testing. Allele origin: germline. Observed: 1 variant allele.
Comment: The p.Cys1314Arg variant in TECTA has not been previously reported in individual s with hearing loss, but has been identified in 1/66674 European chromosomes by the Exome Aggregation Consortium (ExAC). Computa tional prediction tools and conservation analyses suggest that the variant may i mpact the protein, though this information is not predictive enough to determine pathogenicity. In summary, the clinical significance of the p.Cys1314Arg varian t is uncertain.

Literature cited by the submitters: PubMed 26969326 (cited by Labcorp Genetics (formerly Invitae), Labcorp).